The following is an entry in ClinVar:

NM_001242896.3(DEPDC5):c.3887T>C (p.Val1296Ala)

Gene: DEPDC5 (DEP domain containing 5, GATOR1 subcomplex subunit; plus strand). Cytogenetic location: 22q12.3.
Variant type: single nucleotide variant.
Coding change: c.3887T>C on transcript NM_001242896.3 (MANE Select); coding-DNA position 3887, T replaced by C.
Protein change: p.Val1296Ala; replaces valine 1296 with alanine.
Molecular consequence: missense variant. On other transcripts: non-coding transcript variant (5).
Genome position (GRCh38, 1-based): chr22:31,879,606, T>C. VCF-style: chr22-31879606-T-C. GRCh37 (hg19) VCF-style: chr22-32275592-T-C.
Other names: c.3860T>C, p.Val1287Ala (NM_001136029.4); c.3587T>C, p.Val1196Ala (NM_001242897.2); c.3821T>C, p.Val1274Ala (NM_001363852.2, NM_001364320.2); c.3653T>C, p.Val1218Ala (NM_001363854.2, NM_001364319.2); c.3887T>C, p.Val1296Ala (NM_001364318.2); c.3803T>C, p.Val1268Ala (NM_001369901.1, NM_001369902.1); c.3794T>C, p.Val1265Ala (NM_001369903.1, NM_014662.6); short protein forms V1196A, V1218A, V1265A, V1268A, V1274A, V1287A, V1296A.
Identifiers: ClinVar variation 1878559 (VCV001878559.1), dbSNP rs2522689306, ClinGen allele CA411282138.

ClinVar aggregate classification (germline): Uncertain significance (1 of 4 stars; one submission).

Conditions:
Epilepsy, familial focal, with variable foci 1 (FFEVF1). Also called: DEPDC5-Related Epilepsy. Identifiers: MedGen C4551983, MONDO:0024556, OMIM 604364.

Submission:

Neuberg Centre For Genomic Medicine, NCGM
Classification: Uncertain significance for Epilepsy, familial focal, with variable foci 1. Review status: criteria provided, single submitter. Criteria: ACMG Guidelines, 2015. Collection method: clinical testing. Allele origin: germline. Affected: yes.
Comment: The amino acid Val at position 1296 is changed to a Ala changing protein sequence and it might alter its composition and physico-chemical properties. This variant has not been reported in affected individuals. The variant is predicted to be damaging by both SIFT and PolyPhen2. The residue is conserved across species. The amino acid change p.Val1296Ala in DEPDC5 is predicted as conserved by GERP++ and PhyloP across 100 vertebrates. The p.Val1296Ala variant is novel (not in any individuals) in gnomAD Exomes and 1000 Genomes. This variant is classified as uncertain significance as per ACMG guidelines.